The following is an entry in ClinVar:

ClinVar aggregate classification (germline): Uncertain significance (1 of 4 stars; one submission).

Allele frequency attached by ClinVar (database versions not stated): TOPMed 0.00001; gnomAD 0.00002; gnomAD exomes 0.00002.
gnomAD v4.1: 22 of 1,468,078 alleles (0.0015%); highest among the groups gnomAD compares: Non-Finnish European, 0.0019%; no homozygotes.

Submission:

Labcorp Genetics (formerly Invitae), Labcorp
Classification: Uncertain significance. Last evaluated: 2022-06-20. Review status: criteria provided, single submitter. Criteria: Invitae Variant Classification Sherloc (09022015). Collection method: clinical testing. Allele origin: germline.
Comment: Algorithms developed to predict the effect of missense changes on protein structure and function (SIFT, PolyPhen-2, Align-GVGD) all suggest that this variant is likely to be tolerated. ClinVar contains an entry for this variant (Variation ID: 954028). This variant has not been reported in the literature in individuals affected with HMX1-related conditions. The frequency data for this variant in the population databases is considered unreliable, as metrics indicate poor data quality at this position in the gnomAD database. This sequence change replaces serine, which is neutral and polar, with glycine, which is neutral and non-polar, at codon 270 of the HMX1 protein (p.Ser270Gly). In summary, the available evidence is currently insufficient to determine the role of this variant in disease. Therefore, it has been classified as a Variant of Uncertain Significance.

NM_018942.3(HMX1):c.808A>G (p.Ser270Gly)

Gene: HMX1 (H6 family homeobox 1; minus strand). Cytogenetic location: 4p16.1.
Variant type: single nucleotide variant.
Coding change: c.808A>G on transcript NM_018942.3 (MANE Select); coding-DNA position 808, A replaced by G.
Protein change: p.Ser270Gly; replaces serine 270 with glycine.
Molecular consequence: missense variant. On other transcripts: intron variant (1).
Genome position (GRCh38, 1-based): chr4:8,867,932, T>C on the plus strand (A>G on the coding strand, the complement: HMX1 is on the minus strand). VCF-style: chr4-8867932-T-C. GRCh37 (hg19) VCF-style: chr4-8869658-T-C.
Other names: c.394+3289A>G (NM_001306142.2); short protein forms S270G.
Identifiers: ClinVar variation 954028 (VCV000954028.7), dbSNP rs1334257268, ClinGen allele CA356277773.